The following is an entry in ClinVar:

NM_001160148.2(DDHD1):c.315G>A (p.Glu105=)

Gene: DDHD1 (DDHD domain containing 1; minus strand). Cytogenetic location: 14q22.1.
Variant type: single nucleotide variant.
Coding change: c.315G>A on transcript NM_001160148.2 (MANE Select); coding-DNA position 315, G replaced by A.
Protein change: p.Glu105=; no amino-acid change (glutamic acid 105 retained).
Molecular consequence: synonymous variant.
Genome position (GRCh38, 1-based): chr14:53,152,784, C>T on the plus strand (G>A on the coding strand, the complement: DDHD1 is on the minus strand). VCF-style: chr14-53152784-C-T. GRCh37 (hg19) VCF-style: chr14-53619502-C-T.
Other names: c.315G>A, p.Glu105= (NM_001160147.2, NM_030637.3).
Identifiers: ClinVar variation 1467042 (VCV001467042.12), dbSNP rs774646790, ClinGen allele CA486658044.
Genomic context (GRCh38, chr14:53,152,784, plus strand): 5'-CAGCGGAGGCTGCTGCGGCGGGTGCAGCGACAAGGAGCTGCCGCCGCCGCCGCTCTCACC[C>T]TCGCTGTAGTAGCGCAGCGAGGAGCCCGACTCGGCGGAGCTGAAGTCATAGTTCTCGTCA-3'
Protein context (NP_001153620.1, residues 95-115): ESGSSLRYYS[Glu105=]GESGGGGSSL

ClinVar aggregate classification (germline): Likely benign. Review status: criteria provided, multiple submitters, no conflicts (2 of 4 stars). 2 submissions from 2 submitters: Likely benign (2). Last evaluated 2026-01-01.

Conditions:
Hereditary spastic paraplegia 28. Also called: Spastic paraplegia 28, autosomal recessive. Identifiers: Orphanet 101008, MedGen C1836295, MONDO:0012256, OMIM 609340.

gnomAD v4.1: 12 of 1,606,002 alleles (0.00075%); highest among the groups gnomAD compares: Non-Finnish European, 0.00085%; no homozygotes.

Submissions (2):

CeGaT Center for Human Genetics Tuebingen
Classification: Likely benign. Last evaluated: 2026-01-01. Review status: criteria provided, single submitter. Criteria: CeGaT Center For Human Genetics Tuebingen Variant Classification Criteria Version 2. Collection method: clinical testing. Allele origin: germline. Affected: yes. Observed: 1 variant allele.
Comment: DDHD1: BP4, BP7

Labcorp Genetics (formerly Invitae), Labcorp
Classification: Likely benign for Hereditary spastic paraplegia 28. Last evaluated: 2025-09-10. Review status: criteria provided, single submitter. Criteria: Invitae Variant Classification Sherloc (09022015). Collection method: clinical testing. Allele origin: germline.